The following is an entry in ClinVar:

ClinVar aggregate classification (germline): Uncertain significance (1 of 4 stars; one submission).

Conditions:
Combined immunodeficiency due to DOCK8 deficiency (HIES2). Also called: HYPER-IgE SYNDROME 2, AUTOSOMAL RECESSIVE, WITH RECURRENT INFECTIONS; HIES autosomal recessive; Hyper-IgE recurrent infection syndrome, autosomal recessive; HYPER-IgE RECURRENT INFECTION SYNDROME 2, AUTOSOMAL RECESSIVE; DOCK8 Deficiency. Identifiers: Orphanet 217390, MedGen C4722305, MONDO:0009478, OMIM 243700.

gnomAD v4.1: 7 of 1,613,010 alleles (0.00043%); highest among the groups gnomAD compares: Middle Eastern, 0.019%; no homozygotes.

Submission:

Labcorp Genetics (formerly Invitae), Labcorp
Classification: Uncertain significance for Combined immunodeficiency due to DOCK8 deficiency. Last evaluated: 2025-06-19. Review status: criteria provided, single submitter. Criteria: Invitae Variant Classification Sherloc (09022015). Collection method: clinical testing. Allele origin: germline.
Comment: This sequence change replaces valine, which is neutral and non-polar, with methionine, which is neutral and non-polar, at codon 1687 of the DOCK8 protein (p.Val1687Met). This variant is present in population databases (rs767895149, gnomAD 0.006%). This variant has not been reported in the literature in individuals affected with DOCK8-related conditions. Invitae Evidence Modeling of protein sequence and biophysical properties (such as structural, functional, and spatial information, amino acid conservation, physicochemical variation, residue mobility, and thermodynamic stability) has been performed for this missense variant. However, the output from this modeling did not meet the statistical confidence thresholds required to predict the impact of this variant on DOCK8 protein function. In summary, the available evidence is currently insufficient to determine the role of this variant in disease. Therefore, it has been classified as a Variant of Uncertain Significance.

NM_203447.4(DOCK8):c.5059G>A (p.Val1687Met)

Gene: DOCK8 (dedicator of cytokinesis 8; plus strand). Cytogenetic location: 9p24.3.
Variant type: single nucleotide variant.
Coding change: c.5059G>A on transcript NM_203447.4 (MANE Select); coding-DNA position 5059, G replaced by A.
Protein change: p.Val1687Met; replaces valine 1687 with methionine.
Molecular consequence: missense variant.
Genome position (GRCh38, 1-based): chr9:434,955, G>A. VCF-style: chr9-434955-G-A. GRCh37 (hg19) VCF-style: chr9-434955-G-A.
Other names: c.4759G>A, p.Val1587Met (NM_001190458.2); c.4855G>A, p.Val1619Met (NM_001193536.2); short protein forms V1619M, V1687M, V1587M.
Identifiers: ClinVar variation 4738156 (VCV004738156.1).